The following is an entry in ClinVar:

NM_006371.5(CRTAP):c.518T>C (p.Leu173Pro)

Gene: CRTAP (cartilage associated protein; plus strand). Cytogenetic location: 3p22.3.
Variant type: single nucleotide variant.
Coding change: c.518T>C on transcript NM_006371.5 (MANE Select); coding-DNA position 518, T replaced by C.
Protein change: p.Leu173Pro; replaces leucine 173 with proline.
Molecular consequence: missense variant. On other transcripts: intron variant (1).
Genome position (GRCh38, 1-based): chr3:33,120,390, T>C. VCF-style: chr3-33120390-T-C. GRCh37 (hg19) VCF-style: chr3-33161882-T-C.
Other names: c.518T>C, p.Leu173Pro (NM_001393363.1, NM_001393364.1); c.472-4018T>C (NM_001393365.1); c.518T>C (NM_006371.4); short protein forms L173P.
Identifiers: ClinVar variation 1444698 (VCV001444698.5), dbSNP rs139024557, ClinGen allele CA2300304.

ClinVar aggregate classification (germline): Uncertain significance. Review status: criteria provided, multiple submitters, no conflicts (2 of 4 stars). 3 submissions from 3 submitters: Uncertain significance (3). Last evaluated 2025-01-13.

Conditions:
Inborn genetic diseases. Identifiers: MedGen C0950123, MeSH D030342.
Osteogenesis imperfecta type 7 (OI7). Also called: OSTEOGENESIS IMPERFECTA, TYPE IIB; OI type 7; OI type VII; Osteogenesis imperfecta type 2B; OI type 2B; Osteogenesis imperfecta, perinatal lethal autosomal recessive. Identifiers: MedGen C1853162, MONDO:0012536, OMIM 610682.

Allele frequency attached by ClinVar (database versions not stated): gnomAD exomes below 0.00001; ExAC 0.00001; ESP Exome Variant Server 0.00008.
gnomAD v4.1: 3 of 1,614,080 alleles (0.00019%); highest among the groups gnomAD compares: Non-Finnish European, 0.00025%; no homozygotes.

Submissions (3):

Department of Human Genetics, Hannover Medical School
Classification: Uncertain significance for Osteogenesis imperfecta type 7. Last evaluated: 2025-01-13. Review status: criteria provided, single submitter. Criteria: ACMG Guidelines, 2015. Collection method: clinical testing. Allele origin: germline. Affected: yes.
Comment: ACMG: PM2_Supporting, PP3

Ambry Genetics
Classification: Uncertain significance for Inborn genetic diseases. Last evaluated: 2024-10-01. Review status: criteria provided, single submitter. Criteria: Ambry Variant Classification Scheme 2023. Collection method: clinical testing. Allele origin: germline.

Labcorp Genetics (formerly Invitae), Labcorp
Classification: Uncertain significance for Osteogenesis imperfecta type 7. Last evaluated: 2022-07-25. Review status: criteria provided, single submitter. Criteria: Invitae Variant Classification Sherloc (09022015). Collection method: clinical testing. Allele origin: germline.
Comment: This sequence change replaces leucine, which is neutral and non-polar, with proline, which is neutral and non-polar, at codon 173 of the CRTAP protein (p.Leu173Pro). This variant is present in population databases (rs139024557, gnomAD 0.0009%). This variant has not been reported in the literature in individuals affected with CRTAP-related conditions. ClinVar contains an entry for this variant (Variation ID: 1444698). Algorithms developed to predict the effect of missense changes on protein structure and function are either unavailable or do not agree on the potential impact of this missense change (SIFT: "Deleterious"; PolyPhen-2: "Probably Damaging"; Align-GVGD: "Class C0"). In summary, the available evidence is currently insufficient to determine the role of this variant in disease. Therefore, it has been classified as a Variant of Uncertain Significance.